The following is an entry in ClinVar:

ClinVar aggregate classification (germline): Benign. Review status: criteria provided, multiple submitters, no conflicts (2 of 4 stars). 2 submissions from 2 submitters: Benign (2). Last evaluated 2018-06-19.

Allele frequency attached by ClinVar (database versions not stated): gnomAD exomes 0.00372; ExAC 0.00451; 1000 Genomes Project 0.01418; gnomAD 0.01487 and 0.01610; ESP Exome Variant Server 0.01601; 1000 Genomes Project 30x 0.01624; TOPMed 0.01674.
gnomAD v4.1: 4,466 of 1,613,942 alleles (0.28%); highest among the groups gnomAD compares: African/African-American, 5.3%; 108 homozygotes.

Submissions (2):

GeneDx
Classification: Benign. Last evaluated: 2018-06-19. Review status: criteria provided, single submitter. Criteria: GeneDx Variant Classification (06012015). Collection method: clinical testing. Allele origin: germline. Affected: yes.
Comment: This variant is considered likely benign or benign based on one or more of the following criteria: it is a conservative change, it occurs at a poorly conserved position in the protein, it is predicted to be benign by multiple in silico algorithms, and/or has population frequency not consistent with disease.

Breakthrough Genomics
Classification: Benign. Review status: criteria provided, single submitter. Criteria: ACMG Guidelines, 2015. Collection method: not provided. Allele origin: germline. Inheritance: Autosomal recessive inheritance. Affected: yes.

NM_000391.4(TPP1):c.688-45G>A

Gene: TPP1 (tripeptidyl peptidase 1; minus strand). Cytogenetic location: 11p15.4.
Variant type: single nucleotide variant.
Coding change: c.688-45G>A on transcript NM_000391.4 (MANE Select); 45 bases into the intron before coding-DNA position 688, G replaced by A.
Molecular consequence: intron variant.
Genome position (GRCh38, 1-based): chr11:6,616,904, C>T on the plus strand (G>A on the coding strand, the complement: TPP1 is on the minus strand). VCF-style: chr11-6616904-C-T. GRCh37 (hg19) VCF-style: chr11-6638135-C-T.
Identifiers: ClinVar variation 674454 (VCV000674454.2), dbSNP rs57382209, ClinGen allele CA5858867.